The following is an entry in ClinVar:

ClinVar aggregate classification (germline): Pathogenic (1 of 4 stars; one submission).

Conditions:
Angelman syndrome (AS). Also called: HAPPY PUPPET SYNDROME. Identifiers: Orphanet 72, MedGen C0162635, MONDO:0007113, OMIM 105830. Disease mechanism: loss of function. Inheritance: AS is caused by disruption of maternally imprinted UBE3A located within the 15q11.2-q13 Angelman syndrome/Prader-Willi syndrome (AS/PWS) region., imprinting disorder.

Submission:

Labcorp Genetics (formerly Invitae), Labcorp
Classification: Pathogenic for Angelman syndrome. Last evaluated: 2019-07-16. Review status: criteria provided, single submitter. Criteria: Invitae Variant Classification Sherloc (09022015). Collection method: clinical testing. Allele origin: germline.
Comment: For these reasons, this variant has been classified as Pathogenic. Loss-of-function variants in UBE3A are known to be pathogenic (PMID: 25212744). This variant has not been reported in the literature in individuals with UBE3A-related conditions. This variant is not present in population databases (ExAC no frequency). This sequence change creates a premature translational stop signal (p.Glu318*) in the UBE3A gene. It is expected to result in an absent or disrupted protein product.

Literature cited by the submitters: PubMed 25212744.

NM_130839.5(UBE3A):c.1012G>T (p.Glu338Ter)

Genes: SNHG14 (small nucleolar RNA host gene 14; plus strand), UBE3A (ubiquitin protein ligase E3A; minus strand). Cytogenetic location: 15q11.2.
Variant type: single nucleotide variant.
Coding change: c.1012G>T on transcript NM_130839.5 (MANE Select); coding-DNA position 1012, G replaced by T.
Protein change: p.Glu338Ter; replaces glutamic acid 338 with a stop codon.
Molecular consequence: nonsense. On other transcripts: non-coding transcript variant (1), intron variant (2).
Genome position (GRCh38, 1-based): chr15:25,371,162, C>A on the plus strand (G>T on the coding strand, the complement: UBE3A is on the minus strand). VCF-style: chr15-25371162-C-A. GRCh37 (hg19) VCF-style: chr15-25616309-C-A.
Other names: c.1021G>T, p.Glu341Ter (NM_000462.5); c.1012G>T, p.Glu338Ter (NM_001354505.1, NM_001354538.2, NM_001354545.2); c.952G>T, p.Glu318Ter (NM_001354506.2, NM_001354507.2, NM_001354508.2 and 17 more transcripts); c.835G>T, p.Glu279Ter (NM_001354546.2); c.301+4303G>T (NM_001354551.2); c.361+4303G>T (NM_001354550.2); short protein forms E318*, E338*, E341*, E279*.
Identifiers: ClinVar variation 949904 (VCV000949904.7), dbSNP rs2080245178, ClinGen allele CA391354562.